The following is an entry in ClinVar:

NM_015978.3(TNNI3K):c.235+2T>C

Genes: FPGT-TNNI3K (FPGT-TNNI3K readthrough; plus strand), TNNI3K (TNNI3 interacting kinase; plus strand). Cytogenetic location: 1p31.1.
Variant type: single nucleotide variant.
Coding change: c.235+2T>C on transcript NM_015978.3 (MANE Select); the canonical splice donor site of the intron after coding-DNA position 235, T replaced by C.
Molecular consequence: splice donor variant.
Genome position (GRCh38, 1-based): chr1:74,249,546, T>C. VCF-style: chr1-74249546-T-C. GRCh37 (hg19) VCF-style: chr1-74715230-T-C.
Other names: c.538+2T>C (NM_001199327.2, NM_001112808.3).
Identifiers: ClinVar variation 3681320 (VCV003681320.2).

ClinVar aggregate classification (germline): Uncertain significance (1 of 4 stars; one submission).

gnomAD v4.1: 3 of 1,613,272 alleles (0.00019%); highest among the groups gnomAD compares: African/African-American, 0.004%; no homozygotes.

Submission:

Labcorp Genetics (formerly Invitae), Labcorp
Classification: Uncertain significance. Last evaluated: 2024-06-15. Review status: criteria provided, single submitter. Criteria: Invitae Variant Classification Sherloc (09022015). Collection method: clinical testing. Allele origin: germline.
Comment: This sequence change affects a donor splice site in intron 3 of the TNNI3K gene. It is expected to disrupt RNA splicing. Variants that disrupt the donor or acceptor splice site typically lead to a loss of protein function (PMID: 16199547), however the current clinical and genetic evidence is not sufficient to establish whether loss-of-function variants in TNNI3K cause disease. This variant is not present in population databases (gnomAD no frequency). This variant has not been reported in the literature in individuals affected with TNNI3K-related conditions. Algorithms developed to predict the effect of sequence changes on RNA splicing suggest that this variant may disrupt the consensus splice site. In summary, the available evidence is currently insufficient to determine the role of this variant in disease. Therefore, it has been classified as a Variant of Uncertain Significance.

Literature cited by the submitters: PubMed 16199547.